The following is an entry in ClinVar:

ClinVar aggregate classification (germline): Uncertain significance (1 of 4 stars; one submission).

Submission:

GeneDx
Classification: Uncertain significance. Last evaluated: 2020-06-23. Review status: criteria provided, single submitter. Criteria: GeneDx Variant Classification Process June 2021. Collection method: clinical testing. Allele origin: germline. Affected: yes.
Comment: Not observed in large population cohorts (Lek et al., 2016); Has not been previously published as pathogenic in association with TBRS or as benign to our knowledge; In silico analysis, which includes protein predictors and evolutionary conservation, supports a deleterious effect; This variant is associated with the following publications: (PMID: 28964959)

NM_022552.5(DNMT3A):c.1061T>C (p.Phe354Ser)

Gene: DNMT3A (DNA methyltransferase 3 alpha; minus strand). Cytogenetic location: 2p23.3.
Variant type: single nucleotide variant.
Coding change: c.1061T>C on transcript NM_022552.5 (MANE Select); coding-DNA position 1061, T replaced by C.
Protein change: p.Phe354Ser; replaces phenylalanine 354 with serine.
Molecular consequence: missense variant. On other transcripts: non-coding transcript variant (1).
Genome position (GRCh38, 1-based): chr2:25,247,112, A>G on the plus strand (T>C on the coding strand, the complement: DNMT3A is on the minus strand). VCF-style: chr2-25247112-A-G. GRCh37 (hg19) VCF-style: chr2-25469981-A-G.
Other names: c.605T>C, p.Phe202Ser (NM_001320893.1); c.392T>C, p.Phe131Ser (NM_001375819.1); c.494T>C, p.Phe165Ser (NM_153759.3); c.1061T>C, p.Phe354Ser (NM_175629.2); short protein forms F131S, F165S, F202S, F354S.
Identifiers: ClinVar variation 1320742 (VCV001320742.2), dbSNP rs2149305358, ClinGen allele CA346074070.